The following is an entry in ClinVar:

NM_213599.3(ANO5):c.181-16T>C

Gene: ANO5 (anoctamin 5; plus strand). Cytogenetic location: 11p14.3.
Variant type: single nucleotide variant.
Coding change: c.181-16T>C on transcript NM_213599.3 (MANE Select); 16 bases into the intron before coding-DNA position 181, T replaced by C.
Molecular consequence: intron variant.
Genome position (GRCh38, 1-based): chr11:22,221,081, T>C. VCF-style: chr11-22221081-T-C. GRCh37 (hg19) VCF-style: chr11-22242627-T-C.
Other names: c.178-16T>C (NM_001142649.2).
Identifiers: ClinVar variation 384273 (VCV000384273.9), dbSNP rs762760550, ClinGen allele CA5922832.

ClinVar aggregate classification (germline): Likely benign. Review status: criteria provided, multiple submitters, no conflicts (2 of 4 stars). 2 submissions from 2 submitters: Likely benign (2). Last evaluated 2025-12-17.

Conditions:
Gnathodiaphyseal dysplasia (GDD). Also called: GNATHODIAPHYSEAL SCLEROSIS; OSTEOGENESIS IMPERFECTA WITH UNUSUAL SKELETAL LESIONS. Identifiers: Orphanet 53697, MedGen C1833736, MONDO:0008151, OMIM 166260.
Autosomal recessive limb-girdle muscular dystrophy type 2L (LGMDR12). Also called: Limb-girdle muscular dystrophy, type 2L; MUSCULAR DYSTROPHY, LIMB-GIRDLE, AUTOSOMAL RECESSIVE 12; Limb-Girdle Muscular Dystrophy R12 Anoctamin-5-Related (LGMD-R12). Identifiers: Orphanet 206549, MedGen C1969785, MONDO:0012652, OMIM 611307.

Allele frequency attached by ClinVar (database versions not stated): gnomAD exomes below 0.00001; TOPMed below 0.00001; ExAC 0.00001; gnomAD 0.00001.
gnomAD v4.1: 3 of 1,541,010 alleles (0.00019%); highest among the groups gnomAD compares: Non-Finnish European, 0.00018%; no homozygotes.

Submissions (2):

Labcorp Genetics (formerly Invitae), Labcorp
Classification: Likely benign for Autosomal recessive limb-girdle muscular dystrophy type 2L; Gnathodiaphyseal dysplasia. Last evaluated: 2025-12-17. Review status: criteria provided, single submitter. Criteria: Invitae Variant Classification Sherloc (09022015). Collection method: clinical testing. Allele origin: germline.

GeneDx
Classification: Likely benign. Last evaluated: 2016-03-09. Review status: criteria provided, single submitter. Criteria: GeneDx Variant Classification (06012015). Collection method: clinical testing. Allele origin: germline. Affected: yes.
Comment: This variant is considered likely benign or benign based on one or more of the following criteria: it is a conservative change, it occurs at a poorly conserved position in the protein, it is predicted to be benign by multiple in silico algorithms, and/or has population frequency not consistent with disease.